The following is an entry in ClinVar:

NM_031370.3(HNRNPD):c.802C>T (p.Gln268Ter)

Gene: HNRNPD (heterogeneous nuclear ribonucleoprotein D; minus strand). Cytogenetic location: 4q21.22.
Variant type: single nucleotide variant.
Coding change: c.802C>T on transcript NM_031370.3 (MANE Select); coding-DNA position 802, C replaced by T.
Protein change: p.Gln268Ter; replaces glutamine 268 with a stop codon.
Molecular consequence: nonsense.
Genome position (GRCh38, 1-based): chr4:82,356,847, G>A on the plus strand (C>T on the coding strand, the complement: HNRNPD is on the minus strand). VCF-style: chr4-82356847-G-A. GRCh37 (hg19) VCF-style: chr4-83278000-G-A.
Other names: c.745C>T, p.Gln249Ter (NM_001003810.2, NM_031369.3); c.802C>T, p.Gln268Ter (NM_002138.4); short protein forms Q249*, Q268*.
Identifiers: ClinVar variation 3376744 (VCV003376744.1).
Genomic context (GRCh38, chr4:82,356,847, plus strand): 5'-CTAGCTTACCACCACCTCTTCCACGAGCTCTTCCTGCAAATCCTCCTCTAGATCCCCACT[G>A]TTGCTGTTGCTGATATTGTTCCTTCGACATGGCTACTTTTATTTCACACTAAAAGAGAAA-3'

ClinVar aggregate classification (germline): Likely pathogenic (1 of 4 stars; one submission).

Conditions:
Neurodevelopmental disorder. Identifiers: MedGen C1535926, MeSH D065886, MONDO:0700092.

Submission:

Victorian Clinical Genetics Services, Murdoch Childrens Research Institute
Classification: Likely pathogenic for Neurodevelopmental disorder. Last evaluated: 2023-07-17. Review status: criteria provided, single submitter. Criteria: ACMG Guidelines, 2015. Collection method: clinical testing. Allele origin: germline. Inheritance: Autosomal dominant inheritance. Affected: yes.
Comment: Based on the classification scheme VCGS_Germline_v1.3.4, this variant is classified as Likely Pathogenic. Following criteria are met: 0102 - Loss of function is a known mechanism of disease in this gene and is associated with neurodevelopmental disorder (MONDO:0700092), HNRNPD-related. (I) 0107 - This gene is associated with autosomal dominant disease. (I) 0201 - Variant is predicted to cause nonsense-mediated decay (NMD) and loss of protein (premature termination codon is located at least 54 nucleotides upstream of the final exon-exon junction) in two transcripts. However, in two additional transcripts, this variant is predicted to result in a truncated protein with less than 1/3 of the protein sequence affected. (SP) 0251 - This variant is heterozygous. (I) 0301 - Variant is absent from gnomAD (both v2 and v3). (SP) 0701 - Other NMD-predicted variants comparable to the one identified in this case have very strong previous evidence for pathogenicity. These variants have been reported in individuals with a neurodevelopmental disorder, many with de novo inheritance (PMID: 33874999, PMID: 33057194, DECIPHER). (SP) 0809 - Previous evidence of pathogenicity for this variant is inconclusive. This variant was observed in an individual with Crohn's disease; however, the variant was purported to be absent in the monozygotic twin, with limited sequencing information provided (PMID: 28300425). (I) 0905 - No published segregation evidence has been identified for this variant. (I) 1007 - No published functional evidence has been identified for this variant. (I) 1208 - Inheritance information for this variant is not currently available in this individual. (I) Legend: (SP) - Supporting pathogenic, (I) - Information, (SB) - Supporting benign

Literature cited by the submitters: PubMed 28300425; PubMed 33057194; PubMed 33874999.